The following is an entry in ClinVar:

NM_138295.5(PKD1L1):c.6054+1G>C

Gene: PKD1L1 (polycystin 1 like 1, transient receptor potential channel interacting; minus strand). Cytogenetic location: 7p12.3.
Variant type: single nucleotide variant.
Coding change: c.6054+1G>C on transcript NM_138295.5 (MANE Select); the canonical splice donor site of the intron after coding-DNA position 6054, G replaced by C.
Molecular consequence: splice donor variant.
Genome position (GRCh38, 1-based): chr7:47,835,132, C>G on the plus strand (G>C on the coding strand, the complement: PKD1L1 is on the minus strand). VCF-style: chr7-47835132-C-G. GRCh37 (hg19) VCF-style: chr7-47874730-C-G.
Identifiers: ClinVar variation 4532395 (VCV004532395.1).
Genomic context (GRCh38, chr7:47,835,132, plus strand): 5'-GTTCCCCAGCAATGAAGGGGCTGCTCAGGAGAACAGGGCCATGAGGACAAGTCGCAGGTA[C>G]CTTGCTGAGCCTGAAGAGCAGGGACAAGAGCTGGGCCCCTGGAGAAGCCAGGAGGGTACA-3'

ClinVar aggregate classification (germline): Uncertain significance (1 of 4 stars; one submission).

gnomAD v4.1: 138 of 1,599,134 alleles (0.0086%); highest among the groups gnomAD compares: Non-Finnish European, 0.011%; no homozygotes.

Submission:

GeneDx
Classification: Uncertain significance. Last evaluated: 2025-05-27. Review status: criteria provided, single submitter. Criteria: GeneDx Variant Classification Process June 2021. Collection method: clinical testing. Allele origin: germline. Affected: yes.
Comment: Canonical splice site variant predicted to result in an in-frame loss of the adjacent exon in a gene for which loss of function is a known mechanism of disease; Has not been previously published as pathogenic or benign to our knowledge